The following is an entry in ClinVar:

ClinVar aggregate classification (germline): Uncertain significance. Review status: criteria provided, multiple submitters, no conflicts (2 of 4 stars). 2 submissions from 2 submitters: Uncertain significance (2). Last evaluated 2024-04-04.

Conditions:
Hereditary pancreatitis (PCTT). Also called: PRSS1-Related Hereditary Pancreatitis; Hereditary chronic pancreatitis. Identifiers: Orphanet 676, MedGen C0238339, MONDO:0008185, OMIM 167800.

Allele frequency attached by ClinVar (database versions not stated): gnomAD 0.00001; gnomAD exomes 0.00001 and 0.00003; TOPMed 0.00002; ExAC 0.00003.
gnomAD v4.1: 7 of 1,614,030 alleles (0.00043%); highest among the groups gnomAD compares: East Asian, 0.016%; no homozygotes.

Submissions (2):

Ambry Genetics
Classification: Uncertain significance for Hereditary pancreatitis. Last evaluated: 2024-04-04. Review status: criteria provided, single submitter. Criteria: Ambry Variant Classification Scheme 2023. Collection method: clinical testing. Allele origin: germline.

Labcorp Genetics (formerly Invitae), Labcorp
Classification: Uncertain significance. Last evaluated: 2024-03-30. Review status: criteria provided, single submitter. Criteria: Invitae Variant Classification Sherloc (09022015). Collection method: clinical testing. Allele origin: germline.
Comment: This sequence change replaces glutamine, which is neutral and polar, with arginine, which is basic and polar, at codon 371 of the CPA1 protein (p.Gln371Arg). This variant is present in population databases (rs781853343, gnomAD 0.04%). This variant has not been reported in the literature in individuals affected with CPA1-related conditions. ClinVar contains an entry for this variant (Variation ID: 1431986). Advanced modeling of protein sequence and biophysical properties (such as structural, functional, and spatial information, amino acid conservation, physicochemical variation, residue mobility, and thermodynamic stability) performed at Invitae indicates that this missense variant is not expected to disrupt CPA1 protein function with a negative predictive value of 80%. In summary, the available evidence is currently insufficient to determine the role of this variant in disease. Therefore, it has been classified as a Variant of Uncertain Significance.

NM_001868.4(CPA1):c.1112A>G (p.Gln371Arg)

Gene: CPA1 (carboxypeptidase A1; plus strand). Cytogenetic location: 7q32.2.
Variant type: single nucleotide variant.
Coding change: c.1112A>G on transcript NM_001868.4 (MANE Select); coding-DNA position 1112, A replaced by G.
Protein change: p.Gln371Arg; replaces glutamine 371 with arginine.
Molecular consequence: missense variant.
Genome position (GRCh38, 1-based): chr7:130,387,863, A>G. VCF-style: chr7-130387863-A-G. GRCh37 (hg19) VCF-style: chr7-130027704-A-G.
Other names: short protein forms Q371R.
Identifiers: ClinVar variation 1431986 (VCV001431986.9), dbSNP rs781853343, ClinGen allele CA4485061.
Genomic context (GRCh38, chr7:130,387,863, plus strand): 5'-CCTATTTTACTCCTGCCCCAGATCAAGCCAGTGGAAGCACTATTGACTGGACCTACAGCC[A>G]GGGCATCAAGTACTCCTTCACCTTCGAGCTCCGGGACACTGGGCGCTATGGCTTCCTGCT-3'
Protein context (NP_001859.1, residues 361-381): SGSTIDWTYS[Gln371Arg]GIKYSFTFEL